The following is an entry in ClinVar:

ClinVar aggregate classification (germline): Uncertain significance (1 of 4 stars; one submission).

gnomAD v4.1: 128 of 1,613,502 alleles (0.0079%); highest among the groups gnomAD compares: African/African-American, 0.14%; no homozygotes.

Submission:

GeneDx
Classification: Uncertain significance. Last evaluated: 2023-05-19. Review status: criteria provided, single submitter. Criteria: GeneDx Variant Classification Process June 2021. Collection method: clinical testing. Allele origin: germline. Affected: yes.
Comment: In silico analysis supports that this missense variant has a deleterious effect on protein structure/function; Has not been previously published as pathogenic or benign to our knowledge

NM_019023.5(PRMT7):c.1469A>G (p.Asn490Ser)

Gene: PRMT7 (protein arginine methyltransferase 7; plus strand). Cytogenetic location: 16q22.1.
Variant type: single nucleotide variant.
Coding change: c.1469A>G on transcript NM_019023.5 (MANE Select); coding-DNA position 1469, A replaced by G.
Protein change: p.Asn490Ser; replaces asparagine 490 with serine.
Molecular consequence: missense variant. On other transcripts: non-coding transcript variant (12).
Genome position (GRCh38, 1-based): chr16:68,352,303, A>G. VCF-style: chr16-68352303-A-G. GRCh37 (hg19) VCF-style: chr16-68386206-A-G.
Other names: c.1319A>G, p.Asn440Ser (NM_001184824.4); c.1469A>G, p.Asn490Ser (NM_001290018.2, NM_001351143.3, NM_001351144.3 and 1 more transcripts); c.1262A>G, p.Asn421Ser (NM_001378020.1); c.1232A>G, p.Asn411Ser (NM_001378021.1, NM_001378022.1, NM_001378023.1); short protein forms N411S, N421S, N440S, N490S.
Identifiers: ClinVar variation 3343763 (VCV003343763.1).